The following is an entry in ClinVar:

NM_032043.3(BRIP1):c.1443dup (p.Ile482fs)

Gene: BRIP1 (BRCA1 interacting DNA helicase 1; minus strand). Cytogenetic location: 17q23.2.
Variant type: Duplication.
Coding change: c.1443dup on transcript NM_032043.3 (MANE Select); coding-DNA position 1443, one base duplicated (T; older notation c.1443dupT).
Protein change: p.Ile482fs; shifts the reading frame from isoleucine 482.
Molecular consequence: frameshift variant.
Genome position (GRCh38, 1-based): chr17:61,793,627, A duplicated on the plus strand (T on the coding strand, the reverse complement: BRIP1 is on the minus strand). VCF-style (leftmost placement, unchanged base first): chr17-61793626-T-TA. GRCh37 (hg19) VCF-style: chr17-59870987-T-TA.
Other names: short protein forms I482fs.
Identifiers: ClinVar variation 2583746 (VCV002583746.2), dbSNP rs2545106217, ClinGen allele CA2582342216.

ClinVar aggregate classification (germline): Pathogenic (1 of 4 stars; one submission).

Conditions:
Familial cancer of breast. Also called: Hereditary breast cancer; BREAST CANCER, FAMILIAL; hereditary breast carcinoma. Identifiers: Orphanet 227535, MedGen C0346153, MONDO:0016419, OMIM 114480. Disease mechanism: loss of function.

Submission:

Myriad Genetics, Inc.
Classification: Pathogenic for Familial cancer of breast. Last evaluated: 2023-06-02. Review status: criteria provided, single submitter. Criteria: Myriad Autosomal Dominant, Autosomal Recessive and X-Linked Classification Criteria (2023). Collection method: clinical testing. Allele origin: unknown.
Comment: This variant is considered pathogenic. This variant creates a frameshift predicted to result in premature protein truncation.